The following is an entry in ClinVar:

NM_005629.4(SLC6A8):c.874T>C (p.Tyr292His)

Gene: SLC6A8 (solute carrier family 6 member 8; plus strand). Cytogenetic location: Xq28.
Variant type: single nucleotide variant.
Coding change: c.874T>C on transcript NM_005629.4 (MANE Select); coding-DNA position 874, T replaced by C.
Protein change: p.Tyr292His; replaces tyrosine 292 with histidine.
Molecular consequence: missense variant.
Genome position (GRCh38, 1-based): chrX:153,693,137, T>C. VCF-style: chrX-153693137-T-C. GRCh37 (hg19) VCF-style: chrX-152958592-T-C.
Other names: NM_005629.4(SLC6A8):c.874T>C; p.Tyr292His; c.874T>C, p.Tyr292His (NM_001142805.2); c.529T>C, p.Tyr177His (NM_001142806.1); c.874T>C (NM_005629.3); short protein forms Y177H, Y292H.
Identifiers: ClinVar variation 1676188 (VCV001676188.38), dbSNP rs2148362804, ClinGen allele CA415084029.

ClinVar aggregate classification (germline): Uncertain significance. Review status: reviewed by expert panel (3 of 4 stars). 3 submissions from 3 submitters: Uncertain significance (1). 2 of the submissions do not count toward it. Last evaluated 2024-11-08.

Conditions:
Creatine transporter deficiency (CCDS1). Also called: Mental retardation , X-linked with seizures, short stature and midface hypoplasia; Mental retardation , X-linked, with creatine transport deficiency; X-linked creatine transporter deficiency; X-linked creatine deficiency syndrome; CEREBRAL CREATINE DEFICIENCY SYNDROME 1; SLC6A8-Related Creatine Transporter Deficiency. Identifiers: Orphanet 52503, MedGen C1845862, MONDO:0010305, OMIM 300352.
Inborn genetic diseases. Identifiers: MedGen C0950123, MeSH D030342.

Submissions (3):

ClinGen Cerebral Creatine Deficiency Syndromes Variant Curation Expert Panel, ClinGen
Classification: Uncertain significance for Creatine transporter deficiency. Last evaluated: 2024-11-08. Review status: reviewed by expert panel. Criteria: ClinGen_CCDS_ACMG_Specifications_SLC6A8_v1.1. Collection method: curation. Allele origin: germline. Inheritance: X-linked inheritance.
Comment: The NM_005629.4:c.874T>C variant in SLC6A8 is a missense variant predicted to cause the substitution of a tyrosine by a histidine at amino acid position 292 (p.Tyr292His). To our knowledge, this variant has not been reported in the literature and no functional studies are available. This variant is absent in gnomAD v2.1.1. (PM2_Supporting). The computational predictor REVEL gives a score of 0.936 (PP3). There is a ClinVar entry for this variant (Variation ID: 1676188, one-star review status), with conflicting interpretations of pathogenicity (one submitter: likely pathogenic; one submitter: uncertain significance). In summary, this variant meets criteria to be classified as a variant of uncertain significance for creatine transporter deficiency. SLC6A8-specific criteria applied, as specified by the ClinGen CCDS VCEP (Specifications Version 1.1.0): PM2_Supporting, PP3. (Classification approved by the ClinGen Cerebral Creatine Deficiency Syndromes Variant Curation Expert Panel on November 8, 2024)

Ambry Genetics
Classification: Uncertain significance for Inborn genetic diseases. Last evaluated: 2026-06-17. Review status: criteria provided, single submitter. Criteria: Ambry Variant Classification Scheme 2023. Collection method: clinical testing. Allele origin: germline. Not counted in ClinVar's aggregate classification.
Comment: The c.874T>C (p.Y292H) alteration is located in coding exon 5 of the SLC6A8 gene. This alteration results from a T to C substitution at nucleotide position 874, causing the tyrosine (Y) at amino acid position 292 to be replaced by a histidine (H). This variant was not reported in population-based cohorts in the Genome Aggregation Database (gnomAD). This amino acid position is highly conserved in available vertebrate species. This missense variant is located in a region that has a low rate of benign missense variation (Lek, 2016; Firth, 2009). This alteration is predicted to be deleterious by in silico analysis. Based on insufficient or conflicting evidence, the clinical significance of this alteration remains unclear.

CeGaT Center for Human Genetics Tuebingen
Classification: Likely pathogenic. Last evaluated: 2023-09-01. Review status: criteria provided, single submitter. Criteria: CeGaT Center For Human Genetics Tuebingen Variant Classification Criteria Version 2. Collection method: clinical testing. Allele origin: germline. Affected: yes. Observed: 2 variant alleles. Not counted in ClinVar's aggregate classification.
Comment: SLC6A8: PM2, PP2, PP3, PP4, PS3:Supporting